The following is an entry in ClinVar:

NM_020754.4(ARHGAP31):c.2235G>C (p.Leu745=)

Gene: ARHGAP31 (Rho GTPase activating protein 31; plus strand). Cytogenetic location: 3q13.33.
Variant type: single nucleotide variant.
Coding change: c.2235G>C on transcript NM_020754.4 (MANE Select); coding-DNA position 2235, G replaced by C.
Protein change: p.Leu745=; no amino-acid change (leucine 745 retained).
Molecular consequence: synonymous variant.
Genome position (GRCh38, 1-based): chr3:119,414,164, G>C. VCF-style: chr3-119414164-G-C. GRCh37 (hg19) VCF-style: chr3-119133011-G-C.
Identifiers: ClinVar variation 3034037 (VCV003034037.2), dbSNP rs372532661, ClinGen allele CA81697478.

ClinVar aggregate classification (germline): Likely benign (0 of 4 stars; one submission).

Conditions:
ARHGAP31-related disorder. Also called: ARHGAP31-related condition.

Allele frequency attached by ClinVar (database versions not stated): gnomAD 0.00001; gnomAD exomes 0.00002; TOPMed 0.00002; ESP Exome Variant Server 0.00008.
gnomAD v4.1: 36 of 1,614,030 alleles (0.0022%); highest among the groups gnomAD compares: Non-Finnish European, 0.0028%; no homozygotes.

Submission:

PreventionGenetics, part of Exact Sciences
Classification: Likely benign for ARHGAP31-related condition. Last evaluated: 2019-06-18. Review status: no assertion criteria provided. Collection method: clinical testing. Allele origin: germline.
Comment: This variant is classified as likely benign based on ACMG/AMP sequence variant interpretation guidelines (Richards et al. 2015 PMID: 25741868, with internal and published modifications).